The following is an entry in ClinVar:

NM_001029883.3(PCARE):c.3101T>C (p.Val1034Ala)

Gene: PCARE (photoreceptor cilium actin regulator; minus strand). Cytogenetic location: 2p23.2.
Variant type: single nucleotide variant.
Coding change: c.3101T>C on transcript NM_001029883.3 (MANE Select); coding-DNA position 3101, T replaced by C.
Protein change: p.Val1034Ala; replaces valine 1034 with alanine.
Molecular consequence: missense variant.
Genome position (GRCh38, 1-based): chr2:29,071,161, A>G on the plus strand (T>C on the coding strand, the complement: PCARE is on the minus strand). VCF-style: chr2-29071161-A-G. GRCh37 (hg19) VCF-style: chr2-29294027-A-G.
Other names: short protein forms V1034A.
Identifiers: ClinVar variation 2019425 (VCV002019425.4), dbSNP rs373615342, ClinGen allele CA1592022.
Genomic context (GRCh38, chr2:29,071,161, plus strand): 5'-GGCTGGTGCGGTGGGGAAGTTCGCCGCTTTGTGGTGGGTGGGCTTAGCACCCTGGGGCTC[A>G]CAGGTGGGCTGGGGGGCGTCTGCACAGCAGAGGGGCTTGGCTGGGCAGGTCTGTAAGAGG-3'
Protein context (NP_001025054.1, residues 1024-1044): SAVQTPPSPP[Val1034Ala]SPRVLSPPTT

ClinVar aggregate classification (germline): Uncertain significance (1 of 4 stars; one submission).

Allele frequency attached by ClinVar (database versions not stated): gnomAD exomes below 0.00001; ExAC 0.00001; gnomAD 0.00002; ESP Exome Variant Server 0.00008.
gnomAD v4.1: 4 of 1,578,538 alleles (0.00025%); highest among the groups gnomAD compares: African/African-American, 0.0054%; no homozygotes.

Submission:

Labcorp Genetics (formerly Invitae), Labcorp
Classification: Uncertain significance. Last evaluated: 2022-07-24. Review status: criteria provided, single submitter. Criteria: Invitae Variant Classification Sherloc (09022015). Collection method: clinical testing. Allele origin: germline.
Comment: In summary, the available evidence is currently insufficient to determine the role of this variant in disease. Therefore, it has been classified as a Variant of Uncertain Significance. Algorithms developed to predict the effect of missense changes on protein structure and function output the following: SIFT: "Tolerated"; PolyPhen-2: "Benign"; Align-GVGD: "Class C0". The alanine amino acid residue is found in multiple mammalian species, which suggests that this missense change does not adversely affect protein function. This variant has not been reported in the literature in individuals affected with PCARE-related conditions. The frequency data for this variant in the population databases is considered unreliable, as metrics indicate poor data quality at this position in the gnomAD database. This sequence change replaces valine, which is neutral and non-polar, with alanine, which is neutral and non-polar, at codon 1034 of the PCARE protein (p.Val1034Ala).